The following is an entry in ClinVar:

NM_022114.4(PRDM16):c.1490G>A (p.Ser497Asn)

Gene: PRDM16 (PR/SET domain 16; plus strand). Cytogenetic location: 1p36.32.
Variant type: single nucleotide variant.
Coding change: c.1490G>A on transcript NM_022114.4 (MANE Select); coding-DNA position 1490, G replaced by A.
Protein change: p.Ser497Asn; replaces serine 497 with asparagine.
Molecular consequence: missense variant.
Genome position (GRCh38, 1-based): chr1:3,411,687, G>A. VCF-style: chr1-3411687-G-A. GRCh37 (hg19) VCF-style: chr1-3328251-G-A.
Other names: c.1490G>A, p.Ser497Asn (NM_199454.3); short protein forms S497N.
Identifiers: ClinVar variation 2164325 (VCV002164325.4), dbSNP rs1366518929, ClinGen allele CA337997740.
Genomic context (GRCh38, chr1:3,411,687, plus strand): 5'-GCCTCAATCACGCCAGCCTGGGCTTCAACGAGTACTTTCCCTCCAGGCCGCACCCGGGGA[G>A]CCTGCCCTTCTCCACGGCGCCTCCCACGTTCCCCGCACTCACCCCCGGCTTCCCGGGCAT-3'
Protein context (NP_071397.3, residues 487-507): EYFPSRPHPG[Ser497Asn]LPFSTAPPTF

ClinVar aggregate classification (germline): Uncertain significance (1 of 4 stars; one submission).

Conditions:
Left ventricular noncompaction 8 (LVNC8). Identifiers: Orphanet 154, Orphanet 54260, MedGen C3809288, MONDO:0014152, OMIM 615373.

Allele frequency attached by ClinVar (database versions not stated): gnomAD 0.00001; gnomAD exomes 0.00001; TOPMed 0.00001.
gnomAD v4.1: 6 of 1,610,728 alleles (0.00037%); highest among the groups gnomAD compares: African/African-American, 0.0013%; no homozygotes.

Submission:

Labcorp Genetics (formerly Invitae), Labcorp
Classification: Uncertain significance for Left ventricular noncompaction 8. Last evaluated: 2025-01-15. Review status: criteria provided, single submitter. Criteria: Invitae Variant Classification Sherloc (09022015). Collection method: clinical testing. Allele origin: germline.
Comment: This sequence change replaces serine, which is neutral and polar, with asparagine, which is neutral and polar, at codon 497 of the PRDM16 protein (p.Ser497Asn). This variant is present in population databases (no rsID available, gnomAD 0.01%). This variant has not been reported in the literature in individuals affected with PRDM16-related conditions. ClinVar contains an entry for this variant (Variation ID: 2164325). An algorithm developed to predict the effect of missense changes on protein structure and function (PolyPhen-2) suggests that this variant is likely to be tolerated. In summary, the available evidence is currently insufficient to determine the role of this variant in disease. Therefore, it has been classified as a Variant of Uncertain Significance.